The following is an entry in ClinVar:

ClinVar aggregate classification (germline): Likely pathogenic (1 of 4 stars; one submission).

Conditions:
RBFOX2-related congenital heart disorder. Identifiers: MedGen CN377745, MONDO:0100557.

Submission:

Victorian Clinical Genetics Services, Murdoch Childrens Research Institute
Classification: Likely pathogenic for RBFOX2-related congenital heart disorder. Last evaluated: 2025-01-13. Review status: criteria provided, single submitter. Criteria: ACMG Guidelines, 2015. Collection method: clinical testing. Allele origin: germline. Affected: yes.
Comment: This variant is classified as Likely pathogenic. Evidence in support of pathogenic classification: Variant is predicted to cause nonsense-mediated decay (NMD) and loss of protein (premature termination codon is located at least 54 nucleotides upstream of the final exon-exon junction); Variant is absent from gnomAD (v2, v3 and v4); Other NMD-predicted variant(s) comparable to the one identified in this case have moderate previous evidence for pathogenicity. Several other NMD-predicted variants in this gene have been reported in the literature, including three as de novo in individuals with hypoplastic left heart syndrome (PMIDs: 26785492, 32368696, internal data). In ClinVar, one NMD-predicted variant is classified as pathogenic but without a clear phenotypic association by a clinical laboratory (ClinVar), and two others as VUS without further information provided (ClinVar, LOVD); Additional information: This variant is heterozygous; This gene is associated with autosomal dominant disease; This variant has no previous evidence of pathogenicity; No published segregation evidence has been identified for this variant; No published functional evidence has been identified for this variant; Loss of function is a known mechanism of disease in this gene and is associated with RBFOX2-related congenital heart disorder (MONDO:0100557) (PMIDs: 26785492, 27485310, 27670201, 35137168, ClinGen).

Literature cited by the submitters: PubMed 27485310; PubMed 32368696; PubMed 35137168; PubMed 26785492; PubMed 27670201.

NM_001349999.2(RBFOX2):c.754G>T (p.Glu252Ter)

Gene: RBFOX2 (RNA binding fox-1 homolog 2; minus strand). Cytogenetic location: 22q12.3.
Variant type: single nucleotide variant.
Coding change: c.754G>T on transcript NM_001349999.2 (MANE Select); coding-DNA position 754, G replaced by T.
Protein change: p.Glu252Ter; replaces glutamic acid 252 with a stop codon.
Molecular consequence: nonsense. On other transcripts: intron variant (4).
Genome position (GRCh38, 1-based): chr22:35,768,259, C>A on the plus strand (G>T on the coding strand, the complement: RBFOX2 is on the minus strand). VCF-style: chr22-35768259-C-A. GRCh37 (hg19) VCF-style: chr22-36164306-C-A.
Other names: c.751G>T, p.Glu251Ter (NM_001394113.1, NM_001394115.1, NM_001082579.3 and 1 more transcripts); c.754G>T, p.Glu252Ter (NM_001394114.1, NM_001082578.4); c.544G>T, p.Glu182Ter (NM_014309.4, NM_001349997.2); c.661-2776G>T (NM_001394111.1, NM_001394110.1, NM_001394109.1); c.541G>T, p.Glu181Ter (NM_001031695.4, NM_001082576.3, NM_001082577.3 and 2 more transcripts); c.607G>T, p.Glu203Ter (NM_001349982.2, NM_001349989.2, NM_001349990.2 and 4 more transcripts); c.748G>T, p.Glu250Ter (NM_001394108.1); c.517-2776G>T (NM_001349995.2); short protein forms E181*, E182*, E203*, E250*, E251*, E252*.
Identifiers: ClinVar variation 4531845 (VCV004531845.1).